The following is an entry in ClinVar:

ClinVar aggregate classification (germline): Pathogenic (1 of 4 stars; one submission).

Conditions:
Hypertrophic cardiomyopathy. Also called: HYPERTROPHIC MYOCARDIOPATHY. Identifiers: Orphanet 217569, MedGen C0007194, MeSH D002312, MONDO:0005045, HP:0001639.

Submission:

Labcorp Genetics (formerly Invitae), Labcorp
Classification: Pathogenic for Hypertrophic cardiomyopathy. Last evaluated: 2026-01-26. Review status: criteria provided, single submitter. Criteria: Invitae Variant Classification Sherloc (09022015). Collection method: clinical testing. Allele origin: germline.
Comment: This variant results in the deletion of part of exon 5 (c.506-13_585delinsATT) of the MYBPC3 gene. It is expected to disrupt RNA splicing. Variants that disrupt the donor or acceptor splice site typically lead to a loss of protein function (PMID: 16199547), and loss-of-function variants in MYBPC3 are known to be pathogenic (PMID: 19574547). This variant is not present in population databases (gnomAD no frequency). This variant has not been reported in the literature in individuals affected with MYBPC3-related conditions. ClinVar contains an entry for this variant (Variation ID: 2720244). This variant disrupts a region of the MYBPC3 protein in which other variant(s) (p.Pro186Leu) have been determined to be pathogenic (PMID: 20624503, 27532257, 27885498, 28416588, 29875424, 37652022; internal data). This suggests that this is a clinically significant region of the protein, and that variants that disrupt it are likely to be disease-causing. For these reasons, this variant has been classified as Pathogenic.

Literature cited by the submitters: PubMed 16199547; PubMed 19574547; PubMed 20624503; PubMed 27532257; PubMed 27885498; PubMed 28416588; PubMed 29875424; PubMed 37652022.

NM_000256.3(MYBPC3):c.506-13_585delinsATT

Gene: MYBPC3 (myosin binding protein C3; minus strand). Cytogenetic location: 11p11.2.
Variant type: Indel.
Coding change: c.506-13_585delinsATT on transcript NM_000256.3 (MANE Select); 13 bases into the intron before coding-DNA position 506 through coding-DNA position 585, the reference bases replaced by ATT.
Molecular consequence: splice acceptor variant.
Genome position (GRCh38, 1-based): chr11:47,349,843-47,349,935, 93 bases replaced. GRCh37 (hg19): chr11:47,371,394-47,371,486.
Identifiers: ClinVar variation 2720244 (VCV002720244.3), dbSNP rs2495780577, ClinGen allele CA2697548557.